The following is an entry in ClinVar:

NM_001379659.1(ZNF142):c.3139C>T (p.Arg1047Trp)

Gene: ZNF142 (zinc finger protein 142; minus strand). Cytogenetic location: 2q35.
Variant type: single nucleotide variant.
Coding change: c.3139C>T on transcript NM_001379659.1 (MANE Select); coding-DNA position 3139, C replaced by T.
Protein change: p.Arg1047Trp; replaces arginine 1047 with tryptophan.
Molecular consequence: missense variant.
Genome position (GRCh38, 1-based): chr2:218,643,977, G>A on the plus strand (C>T on the coding strand, the complement: ZNF142 is on the minus strand). VCF-style: chr2-218643977-G-A. GRCh37 (hg19) VCF-style: chr2-219508700-G-A.
Other names: c.2050C>T, p.Arg684Trp (NM_001366288.3, NM_001366289.3, NM_001366287.3); c.3139C>T, p.Arg1047Trp (NM_001366290.3, NM_001379660.1, NM_001379661.1); c.2539C>T, p.Arg847Trp (NM_001366291.3, NM_001379662.1, NM_001105537.5); short protein forms R847W, R1047W, R684W.
Identifiers: ClinVar variation 1030147 (VCV001030147.6), dbSNP rs373309205, ClinGen allele CA2109060.

ClinVar aggregate classification (germline): Uncertain significance. Review status: criteria provided, multiple submitters, no conflicts (2 of 4 stars). 3 submissions from 3 submitters: Uncertain significance (3). Last evaluated 2024-02-28.

Conditions:
Neurodevelopmental disorder with impaired speech and hyperkinetic movements. Identifiers: MedGen C5193088, MONDO:0032741, OMIM 618425.
Inborn genetic diseases. Identifiers: MedGen C0950123, MeSH D030342.

Allele frequency attached by ClinVar (database versions not stated): ESP Exome Variant Server 0.00008; gnomAD 0.00008 and 0.00007; TOPMed 0.00008; ExAC 0.00008.
gnomAD v4.1: 147 of 1,614,010 alleles (0.0091%); highest among the groups gnomAD compares: Admixed American, 0.018%; no homozygotes.

Submissions (3):

Ambry Genetics
Classification: Uncertain significance for Inborn genetic diseases. Last evaluated: 2024-02-28. Review status: criteria provided, single submitter. Criteria: Ambry Variant Classification Scheme 2023. Collection method: clinical testing. Allele origin: germline.

Baylor Genetics
Classification: Uncertain significance for Neurodevelopmental disorder with impaired speech and hyperkinetic movements. Last evaluated: 2023-04-20. Review status: criteria provided, single submitter. Criteria: ACMG Guidelines, 2015. Collection method: clinical testing. Allele origin: unknown.

GeneDx
Classification: Uncertain significance. Last evaluated: 2022-06-07. Review status: criteria provided, single submitter. Criteria: GeneDx Variant Classification Process June 2021. Collection method: clinical testing. Allele origin: germline. Affected: yes.
Comment: In silico analysis supports that this missense variant has a deleterious effect on protein structure/function; Has not been previously published as pathogenic or benign to our knowledge